The following is an entry in ClinVar:

NM_014014.5(SNRNP200):c.4600C>T (p.His1534Tyr)

Gene: SNRNP200 (small nuclear ribonucleoprotein U5 subunit 200; minus strand). Cytogenetic location: 2q11.2.
Variant type: single nucleotide variant.
Coding change: c.4600C>T on transcript NM_014014.5 (MANE Select); coding-DNA position 4600, C replaced by T.
Protein change: p.His1534Tyr; replaces histidine 1534 with tyrosine.
Molecular consequence: missense variant.
Genome position (GRCh38, 1-based): chr2:96,283,698, G>A on the plus strand (C>T on the coding strand, the complement: SNRNP200 is on the minus strand). VCF-style: chr2-96283698-G-A. GRCh37 (hg19) VCF-style: chr2-96949436-G-A.
Other names: short protein forms H1534Y.
Identifiers: ClinVar variation 1714505 (VCV001714505.5), dbSNP rs774208149, ClinGen allele CA1778165.

ClinVar aggregate classification (germline): Uncertain significance (1 of 4 stars; one submission).

Allele frequency attached by ClinVar (database versions not stated): gnomAD exomes below 0.00001; ExAC 0.00001.
gnomAD v4.1: 2 of 1,614,068 alleles (0.00012%); highest among the groups gnomAD compares: Admixed American, 0.0017%; no homozygotes.

Submission:

Labcorp Genetics (formerly Invitae), Labcorp
Classification: Uncertain significance. Last evaluated: 2024-06-21. Review status: criteria provided, single submitter. Criteria: Invitae Variant Classification Sherloc (09022015). Collection method: clinical testing. Allele origin: germline.
Comment: This sequence change replaces histidine, which is basic and polar, with tyrosine, which is neutral and polar, at codon 1534 of the SNRNP200 protein (p.His1534Tyr). This variant is present in population databases (rs774208149, gnomAD 0.003%). This variant has not been reported in the literature in individuals affected with SNRNP200-related conditions. ClinVar contains an entry for this variant (Variation ID: 1714505). Advanced modeling of protein sequence and biophysical properties (such as structural, functional, and spatial information, amino acid conservation, physicochemical variation, residue mobility, and thermodynamic stability) performed at Invitae indicates that this missense variant is expected to disrupt SNRNP200 protein function with a positive predictive value of 80%. In summary, the available evidence is currently insufficient to determine the role of this variant in disease. Therefore, it has been classified as a Variant of Uncertain Significance.